The following is an entry in ClinVar:

NM_000432.4(MYL2):c.239C>A (p.Thr80Asn)

Gene: MYL2 (myosin light chain 2; minus strand). Cytogenetic location: 12q24.11.
Variant type: single nucleotide variant.
Coding change: c.239C>A on transcript NM_000432.4 (MANE Select); coding-DNA position 239, C replaced by A.
Protein change: p.Thr80Asn; replaces threonine 80 with asparagine.
Molecular consequence: missense variant.
Genome position (GRCh38, 1-based): chr12:110,914,221, G>T on the plus strand (C>A on the coding strand, the complement: MYL2 is on the minus strand). VCF-style: chr12-110914221-G-T. GRCh37 (hg19) VCF-style: chr12-111352025-G-T.
Other names: short protein forms T80N.
Identifiers: ClinVar variation 155818 (VCV000155818.14), dbSNP rs587782965, ClinGen allele CA009949.
Genomic context (GRCh38, chr12:110,914,221, plus strand): 5'-CACACACACACACACACGACCTTACCCTTAAGTTTCTCCCCAAACATTGTGAGGAACACA[G>T]TAAAGTTAATTGGACCCGGAGCCTCCTTGATCATTTCATCAATTTCTTCATTTTTCACGT-3'
Protein context (NP_000423.2, residues 70-90): IKEAPGPINF[Thr80Asn]VFLTMFGEKL

ClinVar aggregate classification (germline): Pathogenic/Likely pathogenic. Review status: criteria provided, multiple submitters, no conflicts (2 of 4 stars). 3 submissions from 3 submitters: Pathogenic (2); Likely pathogenic (1). Last evaluated 2024-03-14.

Conditions:
MYL2-related disorder. Also called: MYL2-related disorders; MYL2-related condition; MYL2-related disease.
Hypertrophic cardiomyopathy 10. Also called: MYL2-Related Familial Hypertrophic Cardiomyopathy; CARDIOMYOPATHY, HYPERTROPHIC, MID-LEFT VENTRICULAR CHAMBER TYPE, 2. Identifiers: MedGen C1834460, MONDO:0012112, OMIM 608758.
Hypertrophic cardiomyopathy. Also called: HYPERTROPHIC MYOCARDIOPATHY. Identifiers: Orphanet 217569, MedGen C0007194, MeSH D002312, MONDO:0005045, HP:0001639.

Submissions (3):

Labcorp Genetics (formerly Invitae), Labcorp
Classification: Pathogenic for Hypertrophic cardiomyopathy 10. Last evaluated: 2024-03-14. Review status: criteria provided, single submitter. Criteria: Invitae Variant Classification Sherloc (09022015). Collection method: clinical testing. Allele origin: germline.
Comment: This sequence change replaces threonine, which is neutral and polar, with asparagine, which is neutral and polar, at codon 80 of the MYL2 protein (p.Thr80Asn). This variant is not present in population databases (gnomAD no frequency). This missense change has been observed in individuals with hypertrophic cardiomyopathy (PMID: 24793961, 27532257; Invitae). ClinVar contains an entry for this variant (Variation ID: 155818). An algorithm developed specifically for the MYL2 gene suggests that this missense change is likely to be deleterious (PMID: 21310275). For these reasons, this variant has been classified as Pathogenic.

Blueprint Genetics
Classification: Pathogenic for MYL2-related disorders. Last evaluated: 2020-05-19. Review status: criteria provided, single submitter. Criteria: ACMG Guidelines, 2015. Collection method: clinical testing. Allele origin: germline. Affected: yes. Observed: 3 variant alleles.

Laboratory for Molecular Medicine, Mass General Brigham Personalized Medicine
Classification: Likely pathogenic for Hypertrophic cardiomyopathy. Last evaluated: 2013-01-23. Review status: criteria provided, single submitter. Criteria: LMM Criteria. Collection method: clinical testing. Allele origin: germline. Observed: 4 variant alleles.
Comment: proposed classification - variant undergoing re-assessment, contact laboratory

Literature cited by the submitters: PubMed 24793961 (cited by Labcorp Genetics (formerly Invitae), Labcorp); PubMed 27532257 (cited by Labcorp Genetics (formerly Invitae), Labcorp); PubMed 21310275 (cited by Labcorp Genetics (formerly Invitae), Labcorp).